The following is an entry in ClinVar:

ClinVar aggregate classification (germline): Uncertain significance. Review status: criteria provided, multiple submitters, no conflicts (2 of 4 stars). 2 submissions from 2 submitters: Uncertain significance (2). Last evaluated 2023-08-14.

Conditions:
Familial cancer of breast. Also called: BREAST CANCER, FAMILIAL; Hereditary breast cancer; hereditary breast carcinoma. Identifiers: Orphanet 227535, MedGen C0346153, MONDO:0016419, OMIM 114480. Disease mechanism: loss of function.
Hereditary cancer-predisposing syndrome. Also called: Neoplastic Syndromes, Hereditary; Tumor predisposition; Hereditary neoplastic syndrome; Hereditary Cancer Syndrome. Identifiers: Orphanet 140162, MedGen C0027672, MeSH D009386, MONDO:0015356.

Allele frequency attached by ClinVar (database versions not stated): gnomAD exomes below 0.00001.
gnomAD v4.1: 2 of 1,613,386 alleles (0.00012%); highest among the groups gnomAD compares: Non-Finnish European, 0.00017%; no homozygotes.

Submissions (2):

Labcorp Genetics (formerly Invitae), Labcorp
Classification: Uncertain significance for Familial cancer of breast. Last evaluated: 2023-08-14. Review status: criteria provided, single submitter. Criteria: Invitae Variant Classification Sherloc (09022015). Collection method: clinical testing. Allele origin: germline.
Comment: This sequence change replaces leucine, which is neutral and non-polar, with proline, which is neutral and non-polar, at codon 120 of the BARD1 protein (p.Leu120Pro). This variant is not present in population databases (gnomAD no frequency). This variant has not been reported in the literature in individuals affected with BARD1-related conditions. ClinVar contains an entry for this variant (Variation ID: 823972). Algorithms developed to predict the effect of missense changes on protein structure and function output the following: SIFT: "Not Available"; PolyPhen-2: "Benign"; Align-GVGD: "Not Available". The proline amino acid residue is found in multiple mammalian species, which suggests that this missense change does not adversely affect protein function. In summary, the available evidence is currently insufficient to determine the role of this variant in disease. Therefore, it has been classified as a Variant of Uncertain Significance.

Ambry Genetics
Classification: Uncertain significance for Hereditary cancer-predisposing syndrome. Last evaluated: 2018-02-14. Review status: criteria provided, single submitter. Criteria: Ambry Variant Classification Scheme 2023. Collection method: clinical testing. Allele origin: germline.
Comment: The p.L120P variant (also known as c.359T>C), located in coding exon 3 of the BARD1 gene, results from a T to C substitution at nucleotide position 359. The leucine at codon 120 is replaced by proline, an amino acid with similar properties. This amino acid position is not well conserved in available vertebrate species. In addition, this alteration is predicted to be tolerated by in silico analysis. Since supporting evidence is limited at this time, the clinical significance of this alteration remains unclear.

NM_000465.4(BARD1):c.359T>C (p.Leu120Pro)

Gene: BARD1 (BRCA1 associated RING domain 1; minus strand). Cytogenetic location: 2q35.
Variant type: single nucleotide variant.
Coding change: c.359T>C on transcript NM_000465.4 (MANE Select); coding-DNA position 359, T replaced by C.
Protein change: p.Leu120Pro; replaces leucine 120 with proline.
Molecular consequence: missense variant. On other transcripts: non-coding transcript variant (1), intron variant (2).
Genome position (GRCh38, 1-based): chr2:214,792,302, A>G on the plus strand (T>C on the coding strand, the complement: BARD1 is on the minus strand). VCF-style: chr2-214792302-A-G. GRCh37 (hg19) VCF-style: chr2-215657026-A-G.
Other names: c.302T>C, p.Leu101Pro (NM_001282543.2); c.359T>C, p.Leu120Pro (NM_001282549.2); c.158+17110T>C (NM_001282548.2); c.215+4759T>C (NM_001282545.2); short protein forms L101P, L120P.
Identifiers: ClinVar variation 823972 (VCV000823972.7), dbSNP rs1574839295, ClinGen allele CA350460736.